The following is an entry in ClinVar:

ClinVar aggregate classification (germline): Uncertain significance. Review status: criteria provided, multiple submitters, no conflicts (2 of 4 stars). 2 submissions from 2 submitters: Uncertain significance (2). Last evaluated 2025-04-11.

Conditions:
Acute myeloid leukemia (AML). Also called: Leukemia, acute myeloid, somatic; Leukemia, acute myelogenous, somatic; Acute myeloid leukemia, adult; AML adult; Acute non-lymphocytic leukemia; Acute granulocytic leukemia. Identifiers: Orphanet 519, MedGen C0023467, MeSH D015470, MONDO:0018874, OMIM 601626, HP:0004808. Disease mechanism: Constitutively activated FLT3.
Inborn genetic diseases. Identifiers: MedGen C0950123, MeSH D030342.

Submissions (2):

Ambry Genetics
Classification: Uncertain significance for Inborn genetic diseases. Last evaluated: 2025-04-11. Review status: criteria provided, single submitter. Criteria: Ambry Variant Classification Scheme 2023. Collection method: clinical testing. Allele origin: germline.
Comment: The p.D279G variant (also known as c.836A>G), located in coding exon 1 of the CEBPA gene, results from an A to G substitution at nucleotide position 836. The aspartic acid at codon 279 is replaced by glycine, an amino acid with similar properties. This amino acid position is conserved. In addition, this alteration is predicted to be tolerated by in silico analysis. Based on the available evidence, the clinical significance of this variant remains unclear.

Labcorp Genetics (formerly Invitae), Labcorp
Classification: Uncertain significance for Acute myeloid leukemia. Last evaluated: 2018-06-13. Review status: criteria provided, single submitter. Criteria: Invitae Variant Classification Sherloc (09022015). Collection method: clinical testing. Allele origin: germline.
Comment: This variant is not present in population databases (ExAC no frequency). This sequence change replaces aspartic acid with glycine at codon 279 of the CEBPA protein (p.Asp279Gly). The aspartic acid residue is highly conserved and there is a moderate physicochemical difference between aspartic acid and glycine. This variant has not been reported in the literature in individuals with CEBPA-related disease. Algorithms developed to predict the effect of missense changes on protein structure and function are either unavailable or do not agree on the potential impact of this missense change (SIFT: "Deleterious"; PolyPhen-2: "Probably Damaging"; Align-GVGD: "Class C15"). In summary, the available evidence is currently insufficient to determine the role of this variant in disease. Therefore, it has been classified as a Variant of Uncertain Significance.

NM_004364.5(CEBPA):c.836A>G (p.Asp279Gly)

Gene: CEBPA (CCAAT enhancer binding protein alpha; minus strand). Cytogenetic location: 19q13.11.
Variant type: single nucleotide variant.
Coding change: c.836A>G on transcript NM_004364.5 (MANE Select); coding-DNA position 836, A replaced by G.
Protein change: p.Asp279Gly; replaces aspartic acid 279 with glycine.
Molecular consequence: missense variant.
Genome position (GRCh38, 1-based): chr19:33,301,579, T>C on the plus strand (A>G on the coding strand, the complement: CEBPA is on the minus strand). VCF-style: chr19-33301579-T-C. GRCh37 (hg19) VCF-style: chr19-33792485-T-C.
Other names: c.941A>G, p.Asp314Gly (NM_001287424.2); c.794A>G, p.Asp265Gly (NM_001287435.2); c.479A>G, p.Asp160Gly (NM_001285829.2); c.836A>G (NM_004364.3); short protein forms D279G, D314G, D160G, D265G.
Identifiers: ClinVar variation 574000 (VCV000574000.10), dbSNP rs1568419375, ClinGen allele CA405274114.
Genomic context (GRCh38, chr19:33,301,579, plus strand): 5'-CTCTTGCGCACCGCGATGTTGTTGCGCTCGCGCCGCACCCGGTACTCGTTGCTGTTCTTG[T>C]CCACCGACTTCTTGGCCTTGCCCGCGCCGCTGCCGCCACTCGCGCGGAGGTCGGGGTGCG-3'
Protein context (NP_004355.2, residues 269-289): SGAGKAKKSV[Asp279Gly]KNSNEYRVRR